The following is an entry in ClinVar:

NM_000455.5(STK11):c.93C>T (p.Ser31=)

Gene: STK11 (serine/threonine kinase 11; plus strand). Cytogenetic location: 19p13.3.
Variant type: single nucleotide variant.
Coding change: c.93C>T on transcript NM_000455.5 (MANE Select); coding-DNA position 93, C replaced by T.
Protein change: p.Ser31=; no amino-acid change (serine 31 retained).
Molecular consequence: synonymous variant.
Genome position (GRCh38, 1-based): chr19:1,207,006, C>T. VCF-style: chr19-1207006-C-T. GRCh37 (hg19) VCF-style: chr19-1207005-C-T.
Identifiers: ClinVar variation 486994 (VCV000486994.17), dbSNP rs775258601, ClinGen allele CA049748.
Genomic context (GRCh38, chr19:1,207,006, plus strand): 5'-GTTCACGGAGGGCGAGCTGATGTCGGTGGGTATGGACACGTTCATCCACCGCATCGACTC[C>T]ACCGAGGTCATCTACCAGCCGCGCCGCAAGCGGGCCAAGCTCATCGGCAAGTACCTGATG-3'
Protein context (NP_000446.1, residues 21-41): GMDTFIHRID[Ser31=]TEVIYQPRRK

ClinVar aggregate classification (germline): Benign/Likely benign. Review status: criteria provided, multiple submitters, no conflicts (2 of 4 stars). 3 submissions from 3 submitters: Benign (1); Likely benign (2). Last evaluated 2025-06-15.

Conditions:
Hereditary cancer-predisposing syndrome. Also called: Tumor predisposition; Neoplastic Syndromes, Hereditary; Hereditary Cancer Syndrome; Hereditary neoplastic syndrome. Identifiers: Orphanet 140162, MedGen C0027672, MeSH D009386, MONDO:0015356.
Peutz-Jeghers syndrome (PJS). Also called: POLYPOSIS, HAMARTOMATOUS INTESTINAL; POLYPS-AND-SPOTS SYNDROME; Peutz-Jeghers polyposis; Periorificial lentiginosis syndrome. Identifiers: Orphanet 2869, MedGen C0031269, MeSH D010580, MONDO:0008280, OMIM 175200.

Allele frequency attached by ClinVar (database versions not stated): gnomAD exomes below 0.00001; ExAC 0.00001.
gnomAD v4.1: 5 of 1,613,612 alleles (0.00031%); highest among the groups gnomAD compares: African/African-American, 0.0027%; no homozygotes.

Submissions (3):

Labcorp Genetics (formerly Invitae), Labcorp
Classification: Likely benign for Peutz-Jeghers syndrome. Last evaluated: 2025-06-15. Review status: criteria provided, single submitter. Criteria: Invitae Variant Classification Sherloc (09022015). Collection method: clinical testing. Allele origin: germline.

Myriad Genetics, Inc.
Classification: Benign for Peutz-Jeghers syndrome. Last evaluated: 2025-03-24. Review status: criteria provided, single submitter. Criteria: Myriad Autosomal Dominant, Autosomal Recessive and X-Linked Classification Criteria (2023). Collection method: clinical testing. Allele origin: unknown.
Comment: This variant is considered benign. This variant is a silent/synonymous amino acid change and it is not expected to impact splicing.

Ambry Genetics
Classification: Likely benign for Hereditary cancer-predisposing syndrome. Last evaluated: 2016-01-29. Review status: criteria provided, single submitter. Criteria: Ambry Variant Classification Scheme 2023. Collection method: clinical testing. Allele origin: germline.